The following is an entry in ClinVar:

NM_016239.4(MYO15A):c.3239G>A (p.Arg1080His)

Gene: MYO15A (myosin XVA; plus strand). Cytogenetic location: 17p11.2.
Variant type: single nucleotide variant.
Coding change: c.3239G>A on transcript NM_016239.4 (MANE Select); coding-DNA position 3239, G replaced by A.
Protein change: p.Arg1080His; replaces arginine 1080 with histidine.
Molecular consequence: missense variant.
Genome position (GRCh38, 1-based): chr17:18,122,039, G>A. VCF-style: chr17-18122039-G-A. GRCh37 (hg19) VCF-style: chr17-18025353-G-A.
Other names: c.3239G>A (NM_016239.3); short protein forms R1080H.
Identifiers: ClinVar variation 1420203 (VCV001420203.8), dbSNP rs376630473, ClinGen allele CA8423409.

ClinVar aggregate classification (germline): Conflicting classifications of pathogenicity. Review status: criteria provided, conflicting classifications (1 of 4 stars). 3 submissions from 3 submitters: Uncertain significance (2); Likely benign (1). Last evaluated 2025-08-17.

Conditions:
MYO15A-related disorder. Also called: MYO15A-related condition.

Allele frequency attached by ClinVar (database versions not stated): ESP Exome Variant Server 0.00008.

Submissions (3):

PreventionGenetics, part of Exact Sciences
Classification: Uncertain significance for MYO15A-related condition. Last evaluated: 2025-08-17. Review status: criteria provided, single submitter. Criteria: ACMG Guidelines, 2015. Collection method: clinical testing. Allele origin: germline.
Comment: The MYO15A c.3239G>A variant is predicted to result in the amino acid substitution p.Arg1080His. To our knowledge, this variant has not been reported in the literature. This variant is reported in 0.021% of alleles in individuals of African descent in gnomAD. At this time, the clinical significance of this variant is uncertain due to the absence of conclusive functional and genetic evidence.

GeneDx
Classification: Uncertain significance. Last evaluated: 2024-01-11. Review status: criteria provided, single submitter. Criteria: GeneDx Variant Classification Process June 2021. Collection method: clinical testing. Allele origin: germline. Affected: yes.
Comment: Identified in a patient with sensorineural hearing loss in published literature; it is unknown if additional variants were identified in the same patient (PMID: 34335733); In silico analysis supports that this missense variant does not alter protein structure/function; This variant is associated with the following publications: (PMID: 34335733)

Labcorp Genetics (formerly Invitae), Labcorp
Classification: Likely benign. Last evaluated: 2024-01-08. Review status: criteria provided, single submitter. Criteria: Invitae Variant Classification Sherloc (09022015). Collection method: clinical testing. Allele origin: germline.